The following is an entry in ClinVar:

NM_000037.4(ANK1):c.3179C>T (p.Pro1060Leu)

Gene: ANK1 (ankyrin 1; minus strand). Cytogenetic location: 8p11.21.
Variant type: single nucleotide variant.
Coding change: c.3179C>T on transcript NM_000037.4 (MANE Select); coding-DNA position 3179, C replaced by T.
Protein change: p.Pro1060Leu; replaces proline 1060 with leucine.
Molecular consequence: missense variant.
Genome position (GRCh38, 1-based): chr8:41,694,740, G>A on the plus strand (C>T on the coding strand, the complement: ANK1 is on the minus strand). VCF-style: chr8-41694740-G-A. GRCh37 (hg19) VCF-style: chr8-41552258-G-A.
Other names: p.Pro1060Leu; c.3302C>T, p.Pro1101Leu (NM_001142446.2); c.3179C>T, p.Pro1060Leu (NM_020475.3, NM_020476.3, NM_020477.3); short protein forms P1101L, P1060L.
Identifiers: ClinVar variation 1330678 (VCV001330678.17), dbSNP rs267601925, ClinGen allele CA175930853.

ClinVar aggregate classification (germline): Conflicting classifications of pathogenicity. Review status: criteria provided, conflicting classifications (1 of 4 stars). 6 submissions from 6 submitters: Likely pathogenic (3); Uncertain significance (3). Last evaluated 2026-01-06.

Conditions:
Hereditary spherocytosis type 1. Also called: Spherocytosis type 1; ANK1-Related Spherocytosis. Identifiers: Orphanet 822, MedGen C2674218, MONDO:0008447, OMIM 182900.
ANK1-related disorder. Also called: ANK1-related condition.

Submissions (6):

Labcorp Genetics (formerly Invitae), Labcorp
Classification: Likely pathogenic. Last evaluated: 2026-01-06. Review status: criteria provided, single submitter. Criteria: Invitae Variant Classification Sherloc (09022015). Collection method: clinical testing. Allele origin: germline.
Comment: This sequence change replaces proline, which is neutral and non-polar, with leucine, which is neutral and non-polar, at codon 1060 of the ANK1 protein (p.Pro1060Leu). This variant is not present in population databases (gnomAD no frequency). This missense change has been observed in individuals with hereditary spherocytosis (PMID: 31980736; internal data). ClinVar contains an entry for this variant (Variation ID: 1330678). Invitae Evidence Modeling of protein sequence and biophysical properties (such as structural, functional, and spatial information, amino acid conservation, physicochemical variation, residue mobility, and thermodynamic stability) indicates that this missense variant is expected to disrupt ANK1 protein function with a positive predictive value of 80%. This variant disrupts the p.Pro1060 amino acid residue in ANK1. Other variant(s) that disrupt this residue have been observed in individuals with ANK1-related conditions (PMID: 30486584), which suggests that this may be a clinically significant amino acid residue. In summary, the currently available evidence indicates that the variant is pathogenic, but additional data are needed to prove that conclusively. Therefore, this variant has been classified as Likely Pathogenic.

Mayo Clinic Laboratories, Mayo Clinic
Classification: Uncertain significance. Last evaluated: 2025-03-04. Review status: criteria provided, single submitter. Criteria: ACMG Guidelines, 2015. Collection method: clinical testing. Allele origin: germline. Observed: 2 variant alleles.
Comment: PP3, PM2_supporting

Revvity Omics, Revvity
Classification: Likely pathogenic for Hereditary spherocytosis type 1. Last evaluated: 2025-01-23. Review status: criteria provided, single submitter. Criteria: ACMG Guidelines, 2015. Collection method: clinical testing. Allele origin: germline.

3billion
Classification: Uncertain significance for Hereditary spherocytosis type 1. Last evaluated: 2024-11-13. Review status: criteria provided, single submitter. Criteria: ACMG Guidelines, 2015. Collection method: clinical testing. Allele origin: germline. Affected: yes.
Comment: The variant is not observed in the gnomAD v4.1.0 dataset. Predicted Consequence/Location: Missense variant. The majority of the known disease-causing variants of this gene are variants expected to result in premature termination of the protein. In silico tool predictions suggest damaging effect of the variant on gene or gene product [REVEL: 0.72 (>=0.6, sensitivity 0.68 and specificity 0.92)]. A different missense change at the same codon (p.Pro1060Thr) has been reported to be associated with ANK1 related disorder (PMID: 30486584). However the evidence of pathogenicity is insufficient at this time. Therefore, this variant is classified as VUS according to the recommendation of ACMG/AMP guideline.

ARUP Laboratories, Molecular Genetics and Genomics, ARUP Laboratories
Classification: Uncertain significance for Hereditary spherocytosis type 1. Last evaluated: 2024-09-20. Review status: criteria provided, single submitter. Criteria: ARUP Molecular Germline Variant Investigation Process 2024. Collection method: clinical testing. Allele origin: germline.
Comment: The ANK1 c.3179C>T; p.Pro1060Leu variant (rs267601925, ClinVar Variation ID 1330678) is reported in the literature in one individual affected with hereditary spherocytosis (Qin 2020). This variant is absent from the Genome Aggregation Database (v2.1.1), indicating it is not a common polymorphism. Additionally, another amino acid substitution at this codon (c.3178C>A; p.Pro1060Thr) has been reported in an individual with spherocytosis (Peng 2018). Computational analyses predict that this variant is deleterious (REVEL: 0.721). Due to limited information, the clinical significance of this ANK1 variant is uncertain at this time. References: Qin L et al. Identification of new mutations in patients with hereditary spherocytosis by next-generation sequencing. J Hum Genet. 2020 65:427-434. Peng GX et al. The characteristic of hereditary spherocytosis related gene mutation in 37 Chinese hereditary spherocytisis patients. Zhonghua Xue Ye Xue Za Zhi. 2018 39:898-903.

Blueprint Genetics
Classification: Likely pathogenic for ANK1-related disorders. Last evaluated: 2024-01-11. Review status: criteria provided, single submitter. Criteria: ACMG Guidelines, 2015. Collection method: clinical testing. Allele origin: germline. Affected: yes. Observed: 1 variant allele.

Literature cited by the submitters: PubMed 31980736 (cited by Labcorp Genetics (formerly Invitae), Labcorp and Mayo Clinic Laboratories, Mayo Clinic); PubMed 30486584 (cited by Labcorp Genetics (formerly Invitae), Labcorp and 3billion); PubMed 38556258 (cited by Mayo Clinic Laboratories, Mayo Clinic).